The following is an entry in ClinVar:

ClinVar aggregate classification (germline): Uncertain significance. Review status: criteria provided, multiple submitters, no conflicts (2 of 4 stars). 2 submissions from 2 submitters: Uncertain significance (2). Last evaluated 2024-08-29.

Conditions:
Alagille syndrome due to a NOTCH2 point mutation. Also called: Alagille syndrome 2. Identifiers: Orphanet 261629, Orphanet 52, MedGen C1857761, MONDO:0012439, OMIM 610205.
Hajdu-Cheney syndrome (HJCYS). Also called: SERPENTINE FIBULA-POLYCYSTIC KIDNEY SYNDROME; Acroosteolysis dominant type; ACROOSTEOLYSIS WITH OSTEOPOROSIS AND CHANGES IN SKULL AND MANDIBLE. Identifiers: Orphanet 955, MedGen C0917715, MONDO:0007057, OMIM 102500.

gnomAD v4.1: 7 of 1,614,032 alleles (0.00043%); highest among the groups gnomAD compares: African/African-American, 0.0067%; no homozygotes.

Submissions (2):

Labcorp Genetics (formerly Invitae), Labcorp
Classification: Uncertain significance for Hajdu-Cheney syndrome. Last evaluated: 2024-08-29. Review status: criteria provided, single submitter. Criteria: Invitae Variant Classification Sherloc (09022015). Collection method: clinical testing. Allele origin: germline.
Comment: This sequence change replaces isoleucine, which is neutral and non-polar, with valine, which is neutral and non-polar, at codon 1579 of the NOTCH2 protein (p.Ile1579Val). This variant is present in population databases (rs370059516, gnomAD 0.01%). This variant has not been reported in the literature in individuals affected with NOTCH2-related conditions. Invitae Evidence Modeling of protein sequence and biophysical properties (such as structural, functional, and spatial information, amino acid conservation, physicochemical variation, residue mobility, and thermodynamic stability) indicates that this missense variant is not expected to disrupt NOTCH2 protein function with a negative predictive value of 80%. In summary, the available evidence is currently insufficient to determine the role of this variant in disease. Therefore, it has been classified as a Variant of Uncertain Significance.

Fulgent Genetics
Classification: Uncertain significance for Hajdu-Cheney syndrome; Alagille syndrome due to a NOTCH2 point mutation. Last evaluated: 2024-04-25. Review status: criteria provided, single submitter. Criteria: ACMG Guidelines, 2015. Collection method: clinical testing. Allele origin: germline.

NM_024408.4(NOTCH2):c.4735A>G (p.Ile1579Val)

Gene: NOTCH2 (notch receptor 2; minus strand). Cytogenetic location: 1p12.
Variant type: single nucleotide variant.
Coding change: c.4735A>G on transcript NM_024408.4 (MANE Select); coding-DNA position 4735, A replaced by G.
Protein change: p.Ile1579Val; replaces isoleucine 1579 with valine.
Molecular consequence: missense variant.
Genome position (GRCh38, 1-based): chr1:119,923,761, T>C on the plus strand (A>G on the coding strand, the complement: NOTCH2 is on the minus strand). VCF-style: chr1-119923761-T-C. GRCh37 (hg19) VCF-style: chr1-120466384-T-C.
Other names: short protein forms I1579V.
Identifiers: ClinVar variation 3584725 (VCV003584725.3).